The following is an entry in ClinVar:

ClinVar aggregate classification (germline): Uncertain significance (1 of 4 stars; one submission).

Submission:

GeneDx
Classification: Uncertain significance. Last evaluated: 2024-11-20. Review status: criteria provided, single submitter. Criteria: GeneDx Variant Classification Process June 2021. Collection method: clinical testing. Allele origin: germline. Affected: yes.
Comment: Not observed at significant frequency in large population cohorts (gnomAD); Missense variants in this gene are a common cause of disease and they are underrepresented in the general population; In silico analysis supports that this missense variant has a deleterious effect on protein structure/function; Has not been previously published as pathogenic or benign to our knowledge; This variant is associated with the following publications: (PMID: 29493581)

NM_005633.4(SOS1):c.3710C>T (p.Pro1237Leu)

Gene: SOS1 (SOS Ras/Rac guanine nucleotide exchange factor 1; minus strand). Cytogenetic location: 2p22.1.
Variant type: single nucleotide variant.
Coding change: c.3710C>T on transcript NM_005633.4 (MANE Select); coding-DNA position 3710, C replaced by T.
Protein change: p.Pro1237Leu; replaces proline 1237 with leucine.
Molecular consequence: missense variant.
Genome position (GRCh38, 1-based): chr2:38,986,116, G>A on the plus strand (C>T on the coding strand, the complement: SOS1 is on the minus strand). VCF-style: chr2-38986116-G-A. GRCh37 (hg19) VCF-style: chr2-39213257-G-A.
Other names: c.3689C>T, p.Pro1230Leu (NM_001382394.1); c.3665C>T, p.Pro1222Leu (NM_001382395.1); short protein forms P1222L, P1230L, P1237L.
Identifiers: ClinVar variation 3901589 (VCV003901589.1).